The following is an entry in ClinVar:

ClinVar aggregate classification (germline): Conflicting classifications of pathogenicity. Review status: criteria provided, conflicting classifications (1 of 4 stars). 2 submissions from 2 submitters: Uncertain significance (1); Likely benign (1). Last evaluated 2024-02-27.

Conditions:
Inborn genetic diseases. Identifiers: MedGen C0950123, MeSH D030342.

Allele frequency attached by ClinVar (database versions not stated): TOPMed 0.00001.
gnomAD v4.1: 8 of 1,614,082 alleles (0.0005%); highest among the groups gnomAD compares: East Asian, 0.016%; no homozygotes.

Submissions (2):

Ambry Genetics
Classification: Likely benign for Inborn genetic diseases. Last evaluated: 2024-02-27. Review status: criteria provided, single submitter. Criteria: Ambry Variant Classification Scheme 2023. Collection method: clinical testing. Allele origin: germline.

Labcorp Genetics (formerly Invitae), Labcorp
Classification: Uncertain significance. Last evaluated: 2023-11-14. Review status: criteria provided, single submitter. Criteria: Invitae Variant Classification Sherloc (09022015). Collection method: clinical testing. Allele origin: germline.
Comment: This sequence change replaces asparagine, which is neutral and polar, with lysine, which is basic and polar, at codon 914 of the REST protein (p.Asn914Lys). This variant is present in population databases (no rsID available, gnomAD 0.04%). This variant has not been reported in the literature in individuals affected with REST-related conditions. Algorithms developed to predict the effect of missense changes on protein structure and function output the following: SIFT: "Not Available"; PolyPhen-2: "Benign"; Align-GVGD: "Not Available". The lysine amino acid residue is found in multiple mammalian species, which suggests that this missense change does not adversely affect protein function. In summary, the available evidence is currently insufficient to determine the role of this variant in disease. Therefore, it has been classified as a Variant of Uncertain Significance.

NM_005612.5(REST):c.2742C>G (p.Asn914Lys)

Gene: REST (RE1 silencing transcription factor; plus strand). Cytogenetic location: 4q12.
Variant type: single nucleotide variant.
Coding change: c.2742C>G on transcript NM_005612.5 (MANE Select); coding-DNA position 2742, C replaced by G.
Protein change: p.Asn914Lys; replaces asparagine 914 with lysine.
Molecular consequence: missense variant.
Genome position (GRCh38, 1-based): chr4:56,931,600, C>G. VCF-style: chr4-56931600-C-G. GRCh37 (hg19) VCF-style: chr4-57797766-C-G.
Other names: c.2742C>G, p.Asn914Lys (NM_001193508.2, NM_001363453.3); short protein forms N914K.
Identifiers: ClinVar variation 2884398 (VCV002884398.4), dbSNP rs757216362, ClinGen allele CA357009437.